The following is an entry in ClinVar:

ClinVar aggregate classification (germline): Uncertain significance. Review status: criteria provided, single submitter (1 of 4 stars). 2 submissions from 2 submitters: Uncertain significance (1). 1 of the submissions does not count toward it. Last evaluated 2025-05-21.

Conditions:
ARHGEF28-related disorder. Also called: ARHGEF28-related condition.

gnomAD v4.1: 5 of 1,602,062 alleles (0.00031%); highest among the groups gnomAD compares: Non-Finnish European, 0.00043%; no homozygotes.

Submissions (2):

Ambry Genetics
Classification: Uncertain significance. Last evaluated: 2025-05-21. Review status: criteria provided, single submitter. Criteria: Ambry Variant Classification Scheme 2023. Collection method: clinical testing. Allele origin: germline.

PreventionGenetics, part of Exact Sciences
Classification: Uncertain significance for ARHGEF28-related condition. Last evaluated: 2024-02-06. Review status: no assertion criteria provided. Collection method: clinical testing. Allele origin: germline. Not counted in ClinVar's aggregate classification.
Comment: The ARHGEF28 c.3410C>T variant is predicted to result in the amino acid substitution p.Ser1137Phe. To our knowledge, this variant has not been reported in the literature or in a large population database, indicating this variant is rare. At this time, the clinical significance of this variant is uncertain due to the absence of conclusive functional and genetic evidence.

NM_001177693.2(ARHGEF28):c.3410C>T (p.Ser1137Phe)

Gene: ARHGEF28 (Rho guanine nucleotide exchange factor 28; plus strand). Cytogenetic location: 5q13.2.
Variant type: single nucleotide variant.
Coding change: c.3410C>T on transcript NM_001177693.2 (MANE Select); coding-DNA position 3410, C replaced by T.
Protein change: p.Ser1137Phe; replaces serine 1137 with phenylalanine.
Molecular consequence: missense variant.
Genome position (GRCh38, 1-based): chr5:73,892,074, C>T. VCF-style: chr5-73892074-C-T. GRCh37 (hg19) VCF-style: chr5-73187899-C-T.
Other names: c.3410C>T, p.Ser1137Phe (NM_001080479.3, NM_001388078.1); c.2471C>T, p.Ser824Phe (NM_001244364.2); c.3116C>T, p.Ser1039Phe (NM_001388076.1); short protein forms S1039F, S1137F, S824F.
Identifiers: ClinVar variation 3061582 (VCV003061582.3), dbSNP rs150331250, ClinGen allele CA3305088.